The following is an entry in ClinVar:

NM_001127222.2(CACNA1A):c.6919G>A (p.Gly2307Ser)

Gene: CACNA1A (calcium voltage-gated channel subunit alpha1 A; minus strand). Cytogenetic location: 19p13.13.
Variant type: single nucleotide variant.
Coding change: c.6919G>A on transcript NM_001127222.2 (MANE Select); coding-DNA position 6919, G replaced by A.
Protein change: p.Gly2307Ser; replaces glycine 2307 with serine.
Molecular consequence: missense variant. On other transcripts: 3 prime UTR variant (3).
Genome position (GRCh38, 1-based): chr19:13,207,915, C>T on the plus strand (G>A on the coding strand, the complement: CACNA1A is on the minus strand). VCF-style: chr19-13207915-C-T. GRCh37 (hg19) VCF-style: chr19-13318729-C-T.
Other names: c.*131G>A (NM_000068.4, NM_001127221.2, NM_001174080.2); c.6937G>A, p.Gly2313Ser (NM_023035.3); short protein forms G2307S, G2313S.
Identifiers: ClinVar variation 5041170 (VCV005041170.1).
Genomic context (GRCh38, chr19:13,207,915, plus strand): 5'-CCGCCTGCTGCTGCTGCTGCTGCTGCTGCTGCTGCTGCTGCTGCGGGGGCCCCGAGCCGC[C>T]GGCCTTACGGATCACAGGGGAATAGGACACGTGTGGCCGGGGGGTGGAGGGGGTCTGGGG-3'
Protein context (NP_001120694.1, residues 2297-2317): VSYSPVIRKA[Gly2307Ser]GSGPPQQQQQ

ClinVar aggregate classification (germline): Uncertain significance (1 of 4 stars; one submission).

gnomAD v4.1: 10 of 1,422,230 alleles (0.0007%); highest among the groups gnomAD compares: African/African-American, 0.0046%; 1 homozygote.

Submission:

CeGaT Center for Human Genetics Tuebingen
Classification: Uncertain significance. Last evaluated: 2026-09-01. Review status: criteria provided, single submitter. Criteria: CeGaT Center For Human Genetics Tuebingen Variant Classification Criteria Version 2. Collection method: clinical testing. Allele origin: germline. Affected: yes. Observed: 1 variant allele.
Comment: CACNA1A: PP3